The following is an entry in ClinVar:

ClinVar aggregate classification (germline): Uncertain significance. Review status: criteria provided, multiple submitters, no conflicts (2 of 4 stars). 2 submissions from 2 submitters: Uncertain significance (2). Last evaluated 2023-09-13.

Conditions:
SPEN-related disorder. Also called: SPEN-related condition.

Allele frequency attached by ClinVar (database versions not stated): TOPMed 0.00001; gnomAD exomes 0.00002.
gnomAD v4.1: 22 of 1,602,930 alleles (0.0014%); highest among the groups gnomAD compares: Non-Finnish European, 0.0018%; no homozygotes.

Submissions (2):

PreventionGenetics, part of Exact Sciences
Classification: Uncertain significance for SPEN-related condition. Last evaluated: 2023-09-13. Review status: criteria provided, single submitter. Criteria: ACMG Guidelines, 2015. Collection method: clinical testing. Allele origin: germline.
Comment: The SPEN c.1647C>G variant is predicted to result in the amino acid substitution p.Asp549Glu. To our knowledge, this variant has not been reported in the literature or in a large population database, indicating this variant is rare. At this time, the clinical significance of this variant is uncertain due to the absence of conclusive functional and genetic evidence.

Blueprint Genetics
Classification: Uncertain significance. Last evaluated: 2022-07-01. Review status: criteria provided, single submitter. Criteria: ACMG Guidelines, 2015. Collection method: clinical testing. Allele origin: germline.

NM_015001.3(SPEN):c.1647C>G (p.Asp549Glu)

Gene: SPEN (spen family transcriptional repressor; plus strand). Cytogenetic location: 1p36.13.
Variant type: single nucleotide variant.
Coding change: c.1647C>G on transcript NM_015001.3 (MANE Select); coding-DNA position 1647, C replaced by G.
Protein change: p.Asp549Glu; replaces aspartic acid 549 with glutamic acid.
Molecular consequence: missense variant.
Genome position (GRCh38, 1-based): chr1:15,920,881, C>G. VCF-style: chr1-15920881-C-G. GRCh37 (hg19) VCF-style: chr1-16247376-C-G.
Other names: short protein forms D549E.
Identifiers: ClinVar variation 2631546 (VCV002631546.2), dbSNP rs2071111490, ClinGen allele CA338621630.